The following is an entry in ClinVar:

NM_016507.4(CDK12):c.3701A>T (p.Lys1234Met)

Gene: CDK12 (cyclin dependent kinase 12; plus strand). Cytogenetic location: 17q12.
Variant type: single nucleotide variant.
Coding change: c.3701A>T on transcript NM_016507.4 (MANE Select); coding-DNA position 3701, A replaced by T.
Protein change: p.Lys1234Met; replaces lysine 1234 with methionine.
Molecular consequence: missense variant.
Genome position (GRCh38, 1-based): chr17:39,526,257, A>T. VCF-style: chr17-39526257-A-T. GRCh37 (hg19) VCF-style: chr17-37682510-A-T.
Other names: c.3701A>T, p.Lys1234Met (NM_015083.4); short protein forms K1234M.
Identifiers: ClinVar variation 4224313 (VCV004224313.1).

ClinVar aggregate classification (germline): Uncertain significance (1 of 4 stars; one submission).

Submission:

Ambry Genetics
Classification: Uncertain significance. Last evaluated: 2025-07-28. Review status: criteria provided, single submitter. Criteria: Ambry Variant Classification Scheme 2023. Collection method: clinical testing. Allele origin: germline.
Comment: The p.K1234M variant (also known as c.3701A>T), located in coding exon 13 of the CDK12 gene, results from an A to T substitution at nucleotide position 3701. The lysine at codon 1234 is replaced by methionine, an amino acid with similar properties. This amino acid position is conserved. In addition, the in silico prediction for this alteration is inconclusive. Based on the available evidence, the clinical significance of this variant remains unclear.